The following is an entry in ClinVar:

NM_001355436.2(SPTB):c.57_66dup (p.Trp23fs)

Gene: SPTB (spectrin beta, erythrocytic; minus strand). Cytogenetic location: 14q23.3.
Variant type: Duplication.
Coding change: c.57_66dup on transcript NM_001355436.2 (MANE Select); coding-DNA positions 57 to 66, 10 bases duplicated (CAATGCCCGC; older notation c.57_66dupCAATGCCCGC).
Protein change: p.Trp23fs; shifts the reading frame from tryptophan 23.
Molecular consequence: frameshift variant.
Genome position (GRCh38, 1-based): chr14:64,823,029-64,823,038, GCGGGCATTG duplicated on the plus strand (CAATGCCCGC on the coding strand, the reverse complement: SPTB is on the minus strand). VCF-style (leftmost placement, unchanged base first): chr14-64823028-A-AGCGGGCATTG. GRCh37 (hg19) VCF-style: chr14-65289746-A-AGCGGGCATTG.
Other names: c.57_66dup, p.Trp23fs (NM_001024858.4, NM_001355437.2); short protein forms W23fs.
Identifiers: ClinVar variation 3766715 (VCV003766715.1).

ClinVar aggregate classification (germline): Pathogenic (1 of 4 stars; one submission).

Submission:

ARUP Laboratories, Molecular Genetics and Genomics, ARUP Laboratories
Classification: Pathogenic. Last evaluated: 2024-07-12. Review status: criteria provided, single submitter. Criteria: ARUP Molecular Germline Variant Investigation Process 2024. Collection method: clinical testing. Allele origin: germline.
Comment: The SPTB c.57_66dup; p.Trp23GlnfsTer13 variant, to our knowledge, is not reported in the medical literature or gene specific databases. This variant is also absent from the Genome Aggregation Database (v2.1.1), indicating it is not a common polymorphism. This variant causes a frameshift by inserting 10 nucleotides, so it is predicted to result in a truncated protein or mRNA subject to nonsense-mediated decay. Based on available information, this variant is considered to be pathogenic.